The following is an entry in ClinVar:

ClinVar aggregate classification (germline): Likely pathogenic (1 of 4 stars; one submission).

Conditions:
Very long chain acyl-CoA dehydrogenase deficiency (ACADVLD). Also called: VLCAD Deficiency; Very Long-Chain Acyl-Coenzyme A Dehydrogenase Deficiency. Identifiers: Orphanet 26793, MedGen C3887523, MONDO:0008723, OMIM 201475.

Allele frequency attached by ClinVar (database versions not stated): TOPMed below 0.00001; ExAC 0.00001; gnomAD 0.00001; gnomAD exomes 0.00001; ESP Exome Variant Server 0.00024.

Submission:

Labcorp Genetics (formerly Invitae), Labcorp
Classification: Likely pathogenic for Very long chain acyl-CoA dehydrogenase deficiency. Last evaluated: 2025-05-17. Review status: criteria provided, single submitter. Criteria: Invitae Variant Classification Sherloc (09022015). Collection method: clinical testing. Allele origin: germline.
Comment: This sequence change falls in intron 7 of the ACADVL gene. It does not directly change the encoded amino acid sequence of the ACADVL protein. It affects a nucleotide within the consensus splice site. This variant is present in population databases (rs775203527, gnomAD 0.0009%). This variant has been observed in individual(s) with clinical features of very long-chain acyl-CoA dehydrogenase deficiency (internal data). In at least one individual the data is consistent with being in trans (on the opposite chromosome) from a pathogenic variant. ClinVar contains an entry for this variant (Variation ID: 2038583). Variants that disrupt the consensus splice site are a relatively common cause of aberrant splicing (PMID: 17576681, 9536098). In summary, the currently available evidence indicates that the variant is pathogenic, but additional data are needed to prove that conclusively. Therefore, this variant has been classified as Likely Pathogenic.

Literature cited by the submitters: PubMed 17576681; PubMed 9536098.

NM_000018.4(ACADVL):c.623-19_623-3del

Gene: ACADVL (acyl-CoA dehydrogenase very long chain; plus strand). Cytogenetic location: 17p13.1.
Variant type: Deletion.
Coding change: c.623-19_623-3del on transcript NM_000018.4 (MANE Select); 19 bases into the intron before coding-DNA position 623 through 3 bases into the intron before coding-DNA position 623, 17 bases deleted (GTAGCTCTCTCCCCAAC).
Molecular consequence: intron variant.
Genome position (GRCh38, 1-based): chr17:7,221,933-7,221,949, GTAGCTCTCTCCCCAAC deleted. VCF-style (leftmost placement, unchanged base first): chr17-7221932-AGTAGCTCTCTCCCCAAC-A. GRCh37 (hg19) VCF-style: chr17-7125251-AGTAGCTCTCTCCCCAAC-A.
Other names: c.692-19_692-3del (NM_001270447.2); c.395-19_395-3del (NM_001270448.2); c.557-19_557-3del (NM_001033859.3).
Identifiers: ClinVar variation 2038583 (VCV002038583.4), dbSNP rs775203527, ClinGen allele CA8337795.